The following is an entry in ClinVar:

NM_000459.5(TEK):c.2833G>T (p.Ala945Ser)

Gene: TEK (TEK receptor tyrosine kinase; plus strand). Cytogenetic location: 9p21.2.
Variant type: single nucleotide variant.
Coding change: c.2833G>T on transcript NM_000459.5 (MANE Select); coding-DNA position 2833, G replaced by T.
Protein change: p.Ala945Ser; replaces alanine 945 with serine.
Molecular consequence: missense variant.
Genome position (GRCh38, 1-based): chr9:27,212,853, G>T. VCF-style: chr9-27212853-G-T. GRCh37 (hg19) VCF-style: chr9-27212851-G-T.
Other names: p.Ala945Ser; c.2704G>T, p.Ala902Ser (NM_001290077.2); c.2389G>T, p.Ala797Ser (NM_001290078.2); c.2830G>T, p.Ala944Ser (NM_001375475.1); c.2701G>T, p.Ala901Ser (NM_001375476.1); c.2833G>T (NM_000459.3); short protein forms A797S, A901S, A902S, A944S, A945S.
Identifiers: ClinVar variation 3379851 (VCV003379851.2).
Genomic context (GRCh38, chr9:27,212,853, plus strand): 5'-GCATTTGCCATTGCCAATAGCACCGCGTCCACACTGTCCTCCCAGCAGCTCCTTCACTTC[G>T]CTGCCGACGTGGCCCGGGGCATGGACTACTTGAGCCAAAAACAGGTTTGTCCGGAGGACT-3'
Protein context (NP_000450.3, residues 935-955): TLSSQQLLHF[Ala945Ser]ADVARGMDYL

ClinVar aggregate classification (germline): Uncertain significance. Review status: criteria provided, multiple submitters, no conflicts (2 of 4 stars). 2 submissions from 2 submitters: Uncertain significance (2). Last evaluated 2025-03-03.

Submissions (2):

GeneDx
Classification: Uncertain significance. Last evaluated: 2025-03-03. Review status: criteria provided, single submitter. Criteria: GeneDx Variant Classification Process June 2021. Collection method: clinical testing. Allele origin: germline. Affected: yes.
Comment: Not observed at significant frequency in large population cohorts (gnomAD); In silico analysis indicates that this missense variant does not alter protein structure/function; Has not been previously published as pathogenic or benign to our knowledge

Mayo Clinic Laboratories, Mayo Clinic
Classification: Uncertain significance. Last evaluated: 2024-09-09. Review status: criteria provided, single submitter. Criteria: ACMG Guidelines, 2015. Collection method: clinical testing. Allele origin: germline. Observed: 1 variant allele.
Comment: PM2